The following is an entry in ClinVar:

ClinVar aggregate classification (germline): Uncertain significance. Review status: criteria provided, multiple submitters, no conflicts (2 of 4 stars). 2 submissions from 2 submitters: Uncertain significance (2). Last evaluated 2024-03-08.

Conditions:
Inborn genetic diseases. Identifiers: MedGen C0950123, MeSH D030342.
Mosaic variegated aneuploidy syndrome 1 (MVA1). Also called: Warburton-Anyane-Yeboa syndrome. Identifiers: Orphanet 1052, MedGen C1850343, MONDO:0009759, OMIM 257300.

Allele frequency attached by ClinVar (database versions not stated): gnomAD exomes below 0.00001.
gnomAD v4.1: 1 of 1,613,856 alleles (0.000062%); highest among the groups gnomAD compares: Non-Finnish European, 0.000085%; no homozygotes.

Submissions (2):

Ambry Genetics
Classification: Uncertain significance for Inborn genetic diseases. Last evaluated: 2024-03-08. Review status: criteria provided, single submitter. Criteria: Ambry Variant Classification Scheme 2023. Collection method: clinical testing. Allele origin: germline.
Comment: The p.S367N variant (also known as c.1100G>A), located in coding exon 9 of the BUB1B gene, results from a G to A substitution at nucleotide position 1100. The serine at codon 367 is replaced by asparagine, an amino acid with highly similar properties. This amino acid position is conserved. In addition, this alteration is predicted to be tolerated by in silico analysis. Based on the available evidence, the clinical significance of this alteration remains unclear.

Labcorp Genetics (formerly Invitae), Labcorp
Classification: Uncertain significance for Mosaic variegated aneuploidy syndrome 1. Last evaluated: 2021-08-06. Review status: criteria provided, single submitter. Criteria: Invitae Variant Classification Sherloc (09022015). Collection method: clinical testing. Allele origin: germline.
Comment: This variant has not been reported in the literature in individuals affected with BUB1B-related conditions. Algorithms developed to predict the effect of missense changes on protein structure and function are either unavailable or do not agree on the potential impact of this missense change (SIFT: "Tolerated"; PolyPhen-2: "Possibly Damaging"; Align-GVGD: "Class C0"). In summary, the available evidence is currently insufficient to determine the role of this variant in disease. Therefore, it has been classified as a Variant of Uncertain Significance. This variant is not present in population databases (ExAC no frequency). This sequence change replaces serine with asparagine at codon 367 of the BUB1B protein (p.Ser367Asn). The serine residue is moderately conserved and there is a small physicochemical difference between serine and asparagine.

NM_001211.6(BUB1B):c.1100G>A (p.Ser367Asn)

Gene: BUB1B (BUB1 mitotic checkpoint serine/threonine kinase B; plus strand). Cytogenetic location: 15q15.1.
Variant type: single nucleotide variant.
Coding change: c.1100G>A on transcript NM_001211.6 (MANE Select); coding-DNA position 1100, G replaced by A.
Protein change: p.Ser367Asn; replaces serine 367 with asparagine.
Molecular consequence: missense variant.
Genome position (GRCh38, 1-based): chr15:40,196,586, G>A. VCF-style: chr15-40196586-G-A. GRCh37 (hg19) VCF-style: chr15-40488787-G-A.
Other names: c.1100G>A (NM_001211.5); short protein forms S367N.
Identifiers: ClinVar variation 1426185 (VCV001426185.7), dbSNP rs1365938809, ClinGen allele CA391687014.